The following is an entry in ClinVar:

ClinVar aggregate classification (germline): Pathogenic (1 of 4 stars; one submission).

Conditions:
Mucolipidosis type IV (ML4). Also called: ML IV. Identifiers: Orphanet 578, MedGen C0238286, MONDO:0009653, OMIM 252650.

Submission:

Labcorp Genetics (formerly Invitae), Labcorp
Classification: Pathogenic for Mucolipidosis type IV. Last evaluated: 2024-01-18. Review status: criteria provided, single submitter. Criteria: Invitae Variant Classification Sherloc (09022015). Collection method: clinical testing. Allele origin: germline.
Comment: This sequence change creates a premature translational stop signal (p.Tyr170Thrfs*68) in the MCOLN1 gene. It is expected to result in an absent or disrupted protein product. Loss-of-function variants in MCOLN1 are known to be pathogenic (PMID: 11030752, 11317355, 37972748). This variant is not present in population databases (gnomAD no frequency). This variant has not been reported in the literature in individuals affected with MCOLN1-related conditions. For these reasons, this variant has been classified as Pathogenic.

Literature cited by the submitters: PubMed 11030752; PubMed 11317355; PubMed 37972748.

NM_020533.3(MCOLN1):c.507del (p.Tyr170fs)

Gene: MCOLN1 (mucolipin TRP cation channel 1; plus strand). Cytogenetic location: 19p13.2.
Variant type: Deletion.
Coding change: c.507del on transcript NM_020533.3 (MANE Select); coding-DNA position 507, one base deleted (C; older notation c.507delC).
Protein change: p.Tyr170fs; shifts the reading frame from tyrosine 170.
Molecular consequence: frameshift variant.
Genome position (GRCh38, 1-based): chr19:7,526,862, C deleted. VCF-style (leftmost placement, unchanged base first): chr19-7526861-AC-A. GRCh37 (hg19) VCF-style: chr19-7591747-AC-A.
Other names: short protein forms Y170fs.
Identifiers: ClinVar variation 2710117 (VCV002710117.3), dbSNP rs2512469818, ClinGen allele CA2697556156.